The following is an entry in ClinVar:

NM_020810.3(TRMT5):c.267_270delinsCTG (p.Ala89_Phe90insTer)

Gene: TRMT5 (tRNA methyltransferase 5; minus strand). Cytogenetic location: 14q23.1.
Variant type: Indel.
Coding change: c.267_270delinsCTG on transcript NM_020810.3 (MANE Select); coding-DNA positions 267 to 270, TTTT replaced by CTG.
Protein change: p.Ala89_Phe90insTer.
Molecular consequence: frameshift variant.
Genome position (GRCh38, 1-based): chr14:60,979,628-60,979,631, AAAA replaced by CAG on the plus strand (TTTT replaced by CTG on the coding strand, the reverse complement: TRMT5 is on the minus strand). VCF-style: chr14-60979628-AAAA-CAG. GRCh37 (hg19) VCF-style: chr14-61446346-AAAA-CAG.
Other names: c.351_354delinsCTG, p.Ala117_Phe118insTer (NM_001350253.1); c.348_351delinsCTG, p.Ala116_Phe117insTer (NM_001350254.1).
Identifiers: ClinVar variation 1878258 (VCV001878258.1), dbSNP rs1443616611, ClinGen allele CA2580088441.

ClinVar aggregate classification (germline): Likely pathogenic (1 of 4 stars; one submission).

Conditions:
Combined oxidative phosphorylation defect type 26 (PNSED). Also called: Combined oxidative phosphorylation deficiency 26; PERIPHERAL NEUROPATHY WITH VARIABLE SPASTICITY, EXERCISE INTOLERANCE, AND DEVELOPMENTAL DELAY. Identifiers: Orphanet 477684, MedGen C5567741, MONDO:0014684, OMIM 616539.

Submission:

Women's Health and Genetics/Laboratory Corporation of America, LabCorp
Classification: Likely pathogenic for Combined oxidative phosphorylation defect type 26. Last evaluated: 2022-12-08. Review status: criteria provided, single submitter. Criteria: LabCorp Variant Classification Summary - May 2015. Collection method: clinical testing. Allele origin: germline.
Comment: Variant summary: TRMT5 c.267_270delinsCTG (p.Phe90X) results in a premature termination codon, predicted to cause a truncation of the encoded protein or absence of the protein due to nonsense mediated decay. The gene tRNA methyltransferase 5 (TRMT5) encodes a protein involved in methylation of a specific nucleotide (position 37) adjacent to the anticodon of mitochondrial-tRNA to enhance its translational efficiency/fidelity (Tarnopolsky_2017). The p.Phe90X truncating mutation is upstream of the methyltransferase motif, predicting a truncated protein that is expected to be non-functional (Powell_2015). At least one truncation downstream of this position have been observed and classified as pathogenic at our lab and reported in the literature in patients with Combined Oxidative Phosphorylation Defect Type 26. c.267_270delinsCTG was absent in 251276 control chromosomes. To our knowledge, no occurrence of c.267_270delinsCTG in individuals affected with Combined Oxidative Phosphorylation Defect Type 26 and no experimental evidence demonstrating its impact on protein function have been reported. No clinical diagnostic laboratories have submitted clinical-significance assessments for this variant to ClinVar after 2014. Based on the evidence outlined above, the variant was classified as likely pathogenic.

Literature cited by the submitters: PubMed 26189817; PubMed 29021354.